The following is an entry in ClinVar:

NM_000400.4(ERCC2):c.922C>T (p.Pro308Ser)

Gene: ERCC2 (ERCC excision repair 2, TFIIH core complex helicase subunit; minus strand). Cytogenetic location: 19q13.32.
Variant type: single nucleotide variant.
Coding change: c.922C>T on transcript NM_000400.4 (MANE Select); coding-DNA position 922, C replaced by T.
Protein change: p.Pro308Ser; replaces proline 308 with serine.
Molecular consequence: missense variant.
Genome position (GRCh38, 1-based): chr19:45,364,013, G>A on the plus strand (C>T on the coding strand, the complement: ERCC2 is on the minus strand). VCF-style: chr19-45364013-G-A. GRCh37 (hg19) VCF-style: chr19-45867271-G-A.
Other names: c.850C>T, p.Pro284Ser (NM_001130867.2); short protein forms P284S, P308S.
Identifiers: ClinVar variation 1766261 (VCV001766261.2), dbSNP rs2514029715, ClinGen allele CA406373374.

ClinVar aggregate classification (germline): Uncertain significance (1 of 4 stars; one submission).

Conditions:
Inborn genetic diseases. Identifiers: MedGen C0950123, MeSH D030342.

Submission:

Ambry Genetics
Classification: Uncertain significance for Inborn genetic diseases. Last evaluated: 2021-08-03. Review status: criteria provided, single submitter. Criteria: Ambry Variant Classification Scheme 2023. Collection method: clinical testing. Allele origin: germline.
Comment: The p.P308S variant (also known as c.922C>T), located in coding exon 10 of the ERCC2 gene, results from a C to T substitution at nucleotide position 922. The proline at codon 308 is replaced by serine, an amino acid with similar properties. This amino acid position is conserved. In addition, the in silico prediction for this alteration is inconclusive. Since supporting evidence is limited at this time, the clinical significance of this alteration remains unclear.